The following is an entry in ClinVar:

NM_001148.6(ANK2):c.10379C>T (p.Thr3460Ile)

Gene: ANK2 (ankyrin 2; plus strand). Cytogenetic location: 4q26.
Variant type: single nucleotide variant.
Coding change: c.10379C>T on transcript NM_001148.6 (MANE Select); coding-DNA position 10379, C replaced by T.
Protein change: p.Thr3460Ile; replaces threonine 3460 with isoleucine.
Molecular consequence: missense variant. On other transcripts: intron variant (68).
Genome position (GRCh38, 1-based): chr4:113,358,997, C>T. VCF-style: chr4-113358997-C-T. GRCh37 (hg19) VCF-style: chr4-114280153-C-T.
Other names: c.10145C>T, p.Thr3382Ile (NM_001386142.1); c.6779C>T, p.Thr2260Ile (NM_001386166.1); c.10520C>T, p.Thr3507Ile (NM_001386174.1); c.10496C>T, p.Thr3499Ile (NM_001386175.1); c.4412-1826C>T (NM_001386186.2, NM_001386148.2); c.4214-1826C>T (NM_001354269.3); c.4292-1826C>T (NM_001386187.2); c.4253-1826C>T (NM_001386147.1); and 35 more; short protein forms T3382I, T3460I, T3499I, T2260I, T3507I.
Identifiers: ClinVar variation 3864118 (VCV003864118.1).

ClinVar aggregate classification (germline): Uncertain significance (1 of 4 stars; one submission).

Conditions:
Cardiovascular phenotype. Identifiers: MedGen CN230736.

gnomAD v4.1: 4 of 1,613,990 alleles (0.00025%); highest among the groups gnomAD compares: Non-Finnish European, 0.00034%; no homozygotes.

Submission:

Ambry Genetics
Classification: Uncertain significance for Cardiovascular phenotype. Last evaluated: 2025-01-21. Review status: criteria provided, single submitter. Criteria: Ambry Variant Classification Scheme 2023. Collection method: clinical testing. Allele origin: germline.
Comment: The p.T3460I variant (also known as c.10379C>T), located in coding exon 38 of the ANK2 gene, results from a C to T substitution at nucleotide position 10379. The threonine at codon 3460 is replaced by isoleucine, an amino acid with similar properties. This amino acid position is conserved. In addition, the in silico prediction for this alteration is inconclusive. Based on the available evidence, the clinical significance of this variant remains unclear.